The following is an entry in ClinVar:

ClinVar aggregate classification (germline): Uncertain significance. Review status: criteria provided, multiple submitters, no conflicts (2 of 4 stars). 5 submissions from 5 submitters: Uncertain significance (5). Last evaluated 2026-01-05.

Conditions:
Hereditary cancer-predisposing syndrome. Also called: Tumor predisposition; Hereditary Cancer Syndrome; Hereditary neoplastic syndrome; Neoplastic Syndromes, Hereditary. Identifiers: Orphanet 140162, MedGen C0027672, MeSH D009386, MONDO:0015356.
Breast-ovarian cancer, familial, susceptibility to, 4. Identifiers: Orphanet 145, MedGen C3280345, MONDO:0013669, OMIM 614291.

gnomAD v4.1: 2 of 1,613,500 alleles (0.00012%); highest among the groups gnomAD compares: East Asian, 0.0022%; no homozygotes.

Submissions (5):

Labcorp Genetics (formerly Invitae), Labcorp
Classification: Uncertain significance for Breast-ovarian cancer, familial, susceptibility to, 4. Last evaluated: 2026-01-05. Review status: criteria provided, single submitter. Criteria: Invitae Variant Classification Sherloc (09022015). Collection method: clinical testing. Allele origin: germline.
Comment: This sequence change replaces valine, which is neutral and non-polar, with leucine, which is neutral and non-polar, at codon 247 of the RAD51D protein (p.Val247Leu). This variant is not present in population databases (gnomAD no frequency). This variant has not been reported in the literature in individuals affected with RAD51D-related conditions. ClinVar contains an entry for this variant (Variation ID: 410547). An algorithm developed to predict the effect of missense changes on protein structure and function (PolyPhen-2) suggests that this variant is likely to be tolerated. Studies have shown that this missense change is associated with inconclusive levels of altered splicing (internal data). In summary, the available evidence is currently insufficient to determine the role of this variant in disease. Therefore, it has been classified as a Variant of Uncertain Significance.

Ambry Genetics
Classification: Uncertain significance for Hereditary cancer-predisposing syndrome. Last evaluated: 2025-06-26. Review status: criteria provided, single submitter. Criteria: Ambry Variant Classification Scheme 2023. Collection method: clinical testing. Allele origin: germline.
Comment: The p.V247L variant (also known as c.739G>C) is located in coding exon 9 of the RAD51D gene. The valine at codon 247 is replaced by leucine, an amino acid with highly similar properties. This change occurs in the first base pair of coding exon 9. This amino acid position is highly conserved in available vertebrate species. In addition, the in silico prediction for this alteration is inconclusive. Since supporting evidence is limited at this time, the clinical significance of this alteration remains unclear.

Color Diagnostics, LLC DBA Color Health
Classification: Uncertain significance for Hereditary cancer-predisposing syndrome. Last evaluated: 2024-04-09. Review status: criteria provided, single submitter. Criteria: ACMG Guidelines, 2015. Collection method: clinical testing. Allele origin: germline.
Comment: This missense variant replaces valine with leucine at codon 247 of the RAD51D protein. Computational prediction suggests that this variant may not impact protein structure and function. To our knowledge, functional studies have not been performed for this variant. While this variant has not been reported in individuals affected with hereditary cancer in the literature, a different nucleotide substitution with the same protein change has been identified in one family with multiple breast and/or ovarian cancer cases (PMID: 26534844) and in an individual affected with prostate cancer (PMID: 32832836). This variant has not been identified in the general population by the Genome Aggregation Database (gnomAD). The available evidence is insufficient to determine the role of this variant in disease conclusively. Therefore, this variant is classified as a Variant of Uncertain Significance.

Baylor Genetics
Classification: Uncertain significance for Breast-ovarian cancer, familial, susceptibility to, 4. Last evaluated: 2024-02-08. Review status: criteria provided, single submitter. Criteria: ACMG Guidelines, 2015. Collection method: clinical testing. Allele origin: unknown.

Sema4
Classification: Uncertain significance for Hereditary cancer-predisposing syndrome. Last evaluated: 2021-07-07. Review status: criteria provided, single submitter. Criteria: Sema4 Curation Guidelines. Collection method: curation. Allele origin: germline.
Comment: The RAD51D c.739G>C (p.V247L) variant has not been reported in the literature to our knowledge, however a different nucleotide change at this position (c.739G>T) resulting in the same amino acid change has been reported in at least one family with breast and/or ovarian cancer (PMID: 26534844). It was not observed in the large and broad cohorts of the Genome Aggregation Database (PMID: 32461654). The variant has been reported in ClinVar (Variation ID 410547). Computational analyses and evolutionary conservation data do not provide strong support for or against an impact to the protein, however these predictions have not been confirmed by published functional studies. The evidence is insufficient to meet ACMG/AMP criteria for classifying the variant as benign or pathogenic. Thus, the clinical significance of this variant is currently uncertain.

Literature cited by the submitters: PubMed 26534844 (cited by 3 submitters); PubMed 32832836 (cited by Ambry Genetics and Color Diagnostics, LLC DBA Color Health).

NM_002878.4(RAD51D):c.739G>C (p.Val247Leu)

Genes: RAD51L3-RFFL (RAD51L3-RFFL readthrough; minus strand), RAD51D (RAD51 paralog D; minus strand). Cytogenetic location: 17q12.
Variant type: single nucleotide variant.
Coding change: c.739G>C on transcript NM_002878.4 (MANE Select); coding-DNA position 739, G replaced by C.
Protein change: p.Val247Leu; replaces valine 247 with leucine.
Molecular consequence: missense variant. On other transcripts: non-coding transcript variant (3).
Genome position (GRCh38, 1-based): chr17:35,101,365, C>G on the plus strand (G>C on the coding strand, the complement: RAD51D is on the minus strand). VCF-style: chr17-35101365-C-G. GRCh37 (hg19) VCF-style: chr17-33428384-C-G.
Other names: c.799G>C, p.Val267Leu (NM_001142571.2); c.403G>C, p.Val135Leu (NM_133629.3); short protein forms V247L, V135L, V267L.
Identifiers: ClinVar variation 410547 (VCV000410547.21), dbSNP rs1060502952, ClinGen allele CA16615714.